The following is an entry in ClinVar:

NM_012193.4(FZD4):c.*2971T>C

Genes: FZD4 (frizzled class receptor 4; minus strand), PRSS23 (serine protease 23; plus strand). Cytogenetic location: 11q14.2.
Variant type: single nucleotide variant.
Coding change: c.*2971T>C on transcript NM_012193.4 (MANE Select); 2971 bases downstream of the stop codon, T replaced by C.
Molecular consequence: 3 prime UTR variant.
Genome position (GRCh38, 1-based): chr11:86,948,171, A>G on the plus strand (T>C on the coding strand, the complement: FZD4 is on the minus strand). VCF-style: chr11-86948171-A-G. GRCh37 (hg19) VCF-style: chr11-86659213-A-G.
Identifiers: ClinVar variation 306365 (VCV000306365.6), dbSNP rs10898563, ClinGen allele CA10631684.

ClinVar aggregate classification (germline): Benign. Review status: criteria provided, multiple submitters, no conflicts (2 of 4 stars). 2 submissions from 2 submitters: Benign (2). Last evaluated 2018-01-12.

Conditions:
Exudative vitreoretinopathy 1 (EVR1). Also called: CRISWICK-SCHEPENS SYNDROME; FEVR, AUTOSOMAL DOMINANT; Familial exudative vitreoretinopathy, autosomal dominant. Identifiers: Orphanet 891, Orphanet 90050, MedGen C1851402, MONDO:0007589, OMIM 133780.

Allele frequency attached by ClinVar (database versions not stated): 1000 Genomes Project 0.19309; 1000 Genomes Project 30x 0.19535; TOPMed 0.26271; gnomAD 0.27359 and 0.27626; gnomAD exomes 0.37931.
gnomAD v4.1: 41,871 of 151,960 alleles (28%); highest among the groups gnomAD compares: Middle Eastern, 42%; 7,134 homozygotes.

Submissions (2):

Illumina Laboratory Services, Illumina
Classification: Benign for Exudative vitreoretinopathy 1. Last evaluated: 2018-01-12. Review status: criteria provided, single submitter. Criteria: ICSL Variant Classification Criteria 13 December 2019. Collection method: clinical testing. Allele origin: germline.
Comment: This variant was observed in the ICSL laboratory as part of a predisposition screen in an ostensibly healthy population. It had not been previously curated by ICSL or reported in the Human Gene Mutation Database (HGMD: prior to June 1st, 2018), and was therefore a candidate for classification through an automated scoring system. Utilizing variant allele frequency, disease prevalence and penetrance estimates, and inheritance mode, an automated score was calculated to assess if this variant is too frequent to cause the disease. Based on the score and internal cut-off values, a variant classified as benign is not then subjected to further curation. The score for this variant resulted in a classification of benign for this disease.

Breakthrough Genomics
Classification: Benign. Review status: criteria provided, single submitter. Criteria: ACMG Guidelines, 2015. Collection method: not provided. Allele origin: germline. Inheritance: Autosomal dominant inheritance. Affected: yes.